The following is an entry in ClinVar:

NM_004655.4(AXIN2):c.1792G>A (p.Gly598Arg)

Gene: AXIN2 (axin 2; minus strand). Cytogenetic location: 17q24.1.
Variant type: single nucleotide variant.
Coding change: c.1792G>A on transcript NM_004655.4 (MANE Select); coding-DNA position 1792, G replaced by A.
Protein change: p.Gly598Arg; replaces glycine 598 with arginine.
Molecular consequence: missense variant. On other transcripts: intron variant (1).
Genome position (GRCh38, 1-based): chr17:65,536,984, C>T on the plus strand (G>A on the coding strand, the complement: AXIN2 is on the minus strand). VCF-style: chr17-65536984-C-T. GRCh37 (hg19) VCF-style: chr17-63533102-C-T.
Other names: c.1712+340G>A (NM_001363813.1); short protein forms G598R.
Identifiers: ClinVar variation 1010564 (VCV001010564.10), dbSNP rs2043935042, ClinGen allele CA400676611.

ClinVar aggregate classification (germline): Uncertain significance. Review status: criteria provided, multiple submitters, no conflicts (2 of 4 stars). 2 submissions from 2 submitters: Uncertain significance (2). Last evaluated 2025-09-11.

Conditions:
Hereditary cancer-predisposing syndrome. Also called: Tumor predisposition; Hereditary neoplastic syndrome; Neoplastic Syndromes, Hereditary; Hereditary Cancer Syndrome. Identifiers: Orphanet 140162, MedGen C0027672, MeSH D009386, MONDO:0015356.
Oligodontia-cancer predisposition syndrome. Also called: TOOTH AGENESIS-COLORECTAL CANCER SYNDROME. Identifiers: Orphanet 300576, MedGen C1837750, MONDO:0012075, OMIM 608615. Disease mechanism: loss of function.

Submissions (2):

Ambry Genetics
Classification: Uncertain significance for Hereditary cancer-predisposing syndrome. Last evaluated: 2025-09-11. Review status: criteria provided, single submitter. Criteria: Ambry Variant Classification Scheme 2023. Collection method: clinical testing. Allele origin: germline.
Comment: The p.G598R variant (also known as c.1792G>A), located in coding exon 6 of the AXIN2 gene, results from a G to A substitution at nucleotide position 1792. The glycine at codon 598 is replaced by arginine, an amino acid with dissimilar properties. This amino acid position is well conserved in available vertebrate species. In addition, this alteration is predicted to be tolerated by in silico analysis. Based on the available evidence, the clinical significance of this variant remains unclear.

Labcorp Genetics (formerly Invitae), Labcorp
Classification: Uncertain significance for Oligodontia-cancer predisposition syndrome. Last evaluated: 2023-12-15. Review status: criteria provided, single submitter. Criteria: Invitae Variant Classification Sherloc (09022015). Collection method: clinical testing. Allele origin: germline.
Comment: This sequence change replaces glycine, which is neutral and non-polar, with arginine, which is basic and polar, at codon 598 of the AXIN2 protein (p.Gly598Arg). This variant is not present in population databases (gnomAD no frequency). This variant has not been reported in the literature in individuals affected with AXIN2-related conditions. ClinVar contains an entry for this variant (Variation ID: 1010564). An algorithm developed to predict the effect of missense changes on protein structure and function (PolyPhen-2) suggests that this variant is likely to be disruptive. In summary, the available evidence is currently insufficient to determine the role of this variant in disease. Therefore, it has been classified as a Variant of Uncertain Significance.